The following is an entry in ClinVar:

NM_001048174.2(MUTYH):c.450CTA[3] (p.Tyr152dup)

Gene: MUTYH (mutY DNA glycosylase; minus strand). Cytogenetic location: 1p34.1.
Variant type: Microsatellite.
Coding change: c.450CTA[3] on transcript NM_001048174.2 (MANE Select); three copies in a row of the 3-base unit CTA starting at c.450; the reference has two copies in a row; one copy, 3 bases duplicated.
Protein change: p.Tyr152dup; duplicates tyrosine 152.
Molecular consequence: inframe insertion. On other transcripts: non-coding transcript variant (2).
Genome position (GRCh38, 1-based): chr1:45,332,800-45,332,802, TAG duplicated on the plus strand (CTA on the coding strand, the reverse complement: MUTYH is on the minus strand); duplicating any 3 consecutive bases within chr1:45,332,800-45,332,805 gives the same sequence; the position shown is the placement nearest the transcript's 3' end. VCF-style (leftmost placement, unchanged base first): chr1-45332799-A-ATAG. GRCh37 (hg19) VCF-style: chr1-45798471-A-ATAG.
Other names: c.174CTA[3], p.Tyr60dup (NM_001293192.2, NM_001293196.2); c.450CTA[3], p.Tyr152dup (NM_001293195.2, NM_001048171.2, NM_001048173.2); c.105CTA[3], p.Tyr37dup (NM_001350650.2, NM_001350651.2); c.525CTA[3], p.Tyr177dup (NM_012222.3); c.453CTA[3], p.Tyr153dup (NM_001048172.2); c.534CTA[3], p.Tyr180dup (NM_001128425.2); c.495CTA[3], p.Tyr167dup (NM_001293190.2); c.483CTA[3], p.Tyr163dup (NM_001293191.2).
Identifiers: ClinVar variation 1000633 (VCV001000633.8), dbSNP rs1645192232, ClinGen allele CA2473712926.

ClinVar aggregate classification (germline): Uncertain significance (1 of 4 stars; one submission).

Conditions:
Familial adenomatous polyposis 2. Also called: COLORECTAL ADENOMATOUS POLYPOSIS, AUTOSOMAL RECESSIVE; ADENOMAS, MULTIPLE COLORECTAL, AUTOSOMAL RECESSIVE; Adenomas, multiple colorectal; FAP type 2; MUTYH Polyposis; MUTYH-associated polyposis. Identifiers: Orphanet 220460, Orphanet 247798, MedGen C3272841, MONDO:0012041, OMIM 608456.

Submission:

Labcorp Genetics (formerly Invitae), Labcorp
Classification: Uncertain significance for Familial adenomatous polyposis 2. Last evaluated: 2022-02-18. Review status: criteria provided, single submitter. Criteria: Invitae Variant Classification Sherloc (09022015). Collection method: clinical testing. Allele origin: germline.
Comment: This variant is not present in population databases (gnomAD no frequency). This variant, c.537_539dup, results in the insertion of 1 amino acid(s) of the MUTYH protein (p.Tyr180dup), but otherwise preserves the integrity of the reading frame. This variant has not been reported in the literature in individuals affected with MUTYH-related conditions. In summary, the available evidence is currently insufficient to determine the role of this variant in disease. Therefore, it has been classified as a Variant of Uncertain Significance. Experimental studies and prediction algorithms are not available or were not evaluated, and the functional significance of this variant is currently unknown.